The following is an entry in ClinVar:

NM_020163.3(SEMA3G):c.1353C>T (p.Tyr451=)

Gene: SEMA3G (semaphorin 3G; minus strand). Cytogenetic location: 3p21.1.
Variant type: single nucleotide variant.
Coding change: c.1353C>T on transcript NM_020163.3 (MANE Select); coding-DNA position 1353, C replaced by T.
Protein change: p.Tyr451=; no amino-acid change (tyrosine 451 retained).
Molecular consequence: synonymous variant.
Genome position (GRCh38, 1-based): chr3:52,439,889, G>A on the plus strand (C>T on the coding strand, the complement: SEMA3G is on the minus strand). VCF-style: chr3-52439889-G-A. GRCh37 (hg19) VCF-style: chr3-52473905-G-A.
Identifiers: ClinVar variation 3048661 (VCV003048661.2), dbSNP rs147079714, ClinGen allele CA2437976.
Genomic context (GRCh38, chr3:52,439,889, plus strand): 5'-CCCTCTCCAGCCTGGCCACCCTGGCTCAGCTGTCCTACCAGTCCCCAGGAAAATGACATC[G>A]TAGGTCCCATCCTCTGCCTCCACGCGGTCCACCACGATCTGGTGTAGCTGCTGGGCCAGG-3'
Protein context (NP_064548.1, residues 441-461): VDRVEAEDGT[Tyr451=]DVIFLGTDSG

ClinVar aggregate classification (germline): Likely benign (0 of 4 stars; one submission).

Conditions:
SEMA3G-related disorder. Also called: SEMA3G-related condition.

Allele frequency attached by ClinVar (database versions not stated): gnomAD 0.00009; ExAC 0.00010; gnomAD exomes 0.00010; TOPMed 0.00011; ESP Exome Variant Server 0.00015.
gnomAD v4.1: 161 of 1,613,260 alleles (0.01%); highest among the groups gnomAD compares: Non-Finnish European, 0.012%; 1 homozygote.

Submission:

PreventionGenetics, part of Exact Sciences
Classification: Likely benign for SEMA3G-related condition. Last evaluated: 2021-07-19. Review status: no assertion criteria provided. Collection method: clinical testing. Allele origin: germline.
Comment: This variant is classified as likely benign based on ACMG/AMP sequence variant interpretation guidelines (Richards et al. 2015 PMID: 25741868, with internal and published modifications).